The following is an entry in ClinVar:

NM_001174089.2(SLC4A11):c.1259C>T (p.Ala420Val)

Gene: SLC4A11 (solute carrier family 4 member 11; minus strand). Cytogenetic location: 20p13.
Variant type: single nucleotide variant.
Coding change: c.1259C>T on transcript NM_001174089.2 (MANE Select); coding-DNA position 1259, C replaced by T.
Protein change: p.Ala420Val; replaces alanine 420 with valine.
Molecular consequence: missense variant. On other transcripts: non-coding transcript variant (3), intron variant (2).
Genome position (GRCh38, 1-based): chr20:3,230,755, G>A on the plus strand (C>T on the coding strand, the complement: SLC4A11 is on the minus strand). VCF-style: chr20-3230755-G-A. GRCh37 (hg19) VCF-style: chr20-3211401-G-A.
Other names: c.1388C>T, p.Ala463Val (NM_001174090.2); c.1202C>T, p.Ala401Val (NM_001400277.1, NM_001400278.1, NM_001400279.1); c.1307C>T, p.Ala436Val (NM_032034.4); c.1169-108C>T (NM_001363745.2); c.1298-108C>T (NM_001400280.1); short protein forms A420V, A463V, A401V, A436V.
Identifiers: ClinVar variation 2158008 (VCV002158008.1), dbSNP rs200583114, ClinGen allele CA9741936.

ClinVar aggregate classification (germline): Uncertain significance (1 of 4 stars; one submission).

Allele frequency attached by ClinVar (database versions not stated): gnomAD 0.00002; TOPMed 0.00002; ExAC 0.00003; gnomAD exomes 0.00003; ESP Exome Variant Server 0.00008.

Submission:

Labcorp Genetics (formerly Invitae), Labcorp
Classification: Uncertain significance. Last evaluated: 2021-12-23. Review status: criteria provided, single submitter. Criteria: Invitae Variant Classification Sherloc (09022015). Collection method: clinical testing. Allele origin: germline.
Comment: This sequence change replaces alanine, which is neutral and non-polar, with valine, which is neutral and non-polar, at codon 436 of the SLC4A11 protein (p.Ala436Val). This variant is present in population databases (rs200583114, gnomAD 0.005%). This missense change has been observed in individual(s) with clinical features of corneal endothelial dystrophy and perceptive deafness (PMID: 31420327). Algorithms developed to predict the effect of missense changes on protein structure and function are either unavailable or do not agree on the potential impact of this missense change (SIFT: "Tolerated"; PolyPhen-2: "Probably Damaging"; Align-GVGD: "Class C0"). In summary, the available evidence is currently insufficient to determine the role of this variant in disease. Therefore, it has been classified as a Variant of Uncertain Significance.

Literature cited by the submitters: PubMed 31420327.